The following is an entry in ClinVar:

ClinVar aggregate classification (germline): Uncertain significance. Review status: criteria provided, multiple submitters, no conflicts (2 of 4 stars). 2 submissions from 2 submitters: Uncertain significance (2). Last evaluated 2024-04-02.

Allele frequency attached by ClinVar (database versions not stated): gnomAD exomes below 0.00001.

Submissions (2):

Labcorp Genetics (formerly Invitae), Labcorp
Classification: Uncertain significance. Last evaluated: 2024-04-02. Review status: criteria provided, single submitter. Criteria: Invitae Variant Classification Sherloc (09022015). Collection method: clinical testing. Allele origin: germline.
Comment: This sequence change replaces glycine, which is neutral and non-polar, with alanine, which is neutral and non-polar, at codon 247 of the SAMD9L protein (p.Gly247Ala). This variant is not present in population databases (gnomAD no frequency). This missense change has been observed in individual(s) with myelodysplastic syndrome (PMID: 30322869). An algorithm developed to predict the effect of missense changes on protein structure and function (PolyPhen-2) suggests that this variant is likely to be disruptive. Experimental studies have shown that this missense change does not substantially affect SAMD9L function (PMID: 30322869). In summary, the available evidence is currently insufficient to determine the role of this variant in disease. Therefore, it has been classified as a Variant of Uncertain Significance.

Blueprint Genetics
Classification: Uncertain significance. Last evaluated: 2023-01-04. Review status: criteria provided, single submitter. Criteria: ACMG Guidelines, 2015. Collection method: clinical testing. Allele origin: germline.

Literature cited by the submitters: PubMed 30322869 (cited by Labcorp Genetics (formerly Invitae), Labcorp).

NM_152703.5(SAMD9L):c.740G>C (p.Gly247Ala)

Gene: SAMD9L (sterile alpha motif domain containing 9 like; minus strand). Cytogenetic location: 7q21.2.
Variant type: single nucleotide variant.
Coding change: c.740G>C on transcript NM_152703.5 (MANE Select); coding-DNA position 740, G replaced by C.
Protein change: p.Gly247Ala; replaces glycine 247 with alanine.
Molecular consequence: missense variant.
Genome position (GRCh38, 1-based): chr7:93,135,232, C>G on the plus strand (G>C on the coding strand, the complement: SAMD9L is on the minus strand). VCF-style: chr7-93135232-C-G. GRCh37 (hg19) VCF-style: chr7-92764545-C-G.
Other names: c.740G>C, p.Gly247Ala (NM_001303496.3, NM_001303497.3, NM_001303498.3 and 5 more transcripts); short protein forms G247A.
Identifiers: ClinVar variation 2915430 (VCV002915430.4), dbSNP rs2535434584, ClinGen allele CA368201194.